The following is an entry in ClinVar:

ClinVar aggregate classification (germline): Uncertain significance (1 of 4 stars; one submission).

Submission:

GeneDx
Classification: Uncertain significance. Last evaluated: 2025-04-22. Review status: criteria provided, single submitter. Criteria: GeneDx Variant Classification Process June 2021. Collection method: clinical testing. Allele origin: germline. Affected: yes.
Comment: Not observed at significant frequency in large population cohorts (gnomAD); In silico analysis indicates that this missense variant does not alter protein structure/function; Has not been previously published as pathogenic or benign to our knowledge

NM_001365999.1(SZT2):c.1613G>A (p.Gly538Asp)

Gene: SZT2 (SZT2 subunit of KICSTOR complex; plus strand). Cytogenetic location: 1p34.2.
Variant type: single nucleotide variant.
Coding change: c.1613G>A on transcript NM_001365999.1 (MANE Select); coding-DNA position 1613, G replaced by A.
Protein change: p.Gly538Asp; replaces glycine 538 with aspartic acid.
Molecular consequence: missense variant.
Genome position (GRCh38, 1-based): chr1:43,421,290, G>A. VCF-style: chr1-43421290-G-A. GRCh37 (hg19) VCF-style: chr1-43886961-G-A.
Other names: c.1613G>A, p.Gly538Asp (NM_015284.4); short protein forms G538D.
Identifiers: ClinVar variation 4527137 (VCV004527137.1).